The following is an entry in ClinVar:

NM_000426.4(LAMA2):c.4861-59G>A

Gene: LAMA2 (laminin subunit alpha 2; plus strand). Cytogenetic location: 6q22.33.
Variant type: single nucleotide variant.
Coding change: c.4861-59G>A on transcript NM_000426.4 (MANE Select); 59 bases into the intron before coding-DNA position 4861, G replaced by A.
Molecular consequence: intron variant.
Genome position (GRCh38, 1-based): chr6:129,369,833, G>A. VCF-style: chr6-129369833-G-A. GRCh37 (hg19) VCF-style: chr6-129690978-G-A.
Other names: c.4861-59G>A (NM_001079823.2).
Identifiers: ClinVar variation 678388 (VCV000678388.1), dbSNP rs73589104, ClinGen allele CA146920301.
Genomic context (GRCh38, chr6:129,369,833, plus strand): 5'-TATCTTTTCTTTGAAGGTGAGAAGGCTAAGTTCCTTTTATATACAAAAATGTGTTCTGTC[G>A]AACACTATCACTGCAAGGCCATTTACTAAAAATGTTTATGGGATGGAATCTTTTTCAGCA-3'

ClinVar aggregate classification (germline): Benign (1 of 4 stars; one submission).

Allele frequency attached by ClinVar (database versions not stated): 1000 Genomes Project 0.01777; 1000 Genomes Project 30x 0.01983; gnomAD 0.02089 and 0.02270; TOPMed 0.02451.
gnomAD v4.1: 5,876 of 1,390,334 alleles (0.42%); highest among the groups gnomAD compares: African/African-American, 7.1%; 188 homozygotes.

Submission:

GeneDx
Classification: Benign. Last evaluated: 2018-06-19. Review status: criteria provided, single submitter. Criteria: GeneDx Variant Classification (06012015). Collection method: clinical testing. Allele origin: germline. Affected: yes.
Comment: This variant is considered likely benign or benign based on one or more of the following criteria: it is a conservative change, it occurs at a poorly conserved position in the protein, it is predicted to be benign by multiple in silico algorithms, and/or has population frequency not consistent with disease.